The following is an entry in ClinVar:

ClinVar aggregate classification (germline): Uncertain significance. Review status: criteria provided, multiple submitters, no conflicts (2 of 4 stars). 2 submissions from 2 submitters: Uncertain significance (2). Last evaluated 2025-02-06.

Conditions:
Cardiovascular phenotype. Identifiers: MedGen CN230736.
Brugada syndrome 8 (BRGDA8). Identifiers: Orphanet 130, MedGen C2751083, MONDO:0013148, OMIM 613123.

Submissions (2):

Ambry Genetics
Classification: Uncertain significance for Cardiovascular phenotype. Last evaluated: 2025-02-06. Review status: criteria provided, single submitter. Criteria: Ambry Variant Classification Scheme 2023. Collection method: clinical testing. Allele origin: germline.
Comment: The p.P145S variant (also known as c.433C>T), located in coding exon 1 of the HCN4 gene, results from a C to T substitution at nucleotide position 433. The proline at codon 145 is replaced by serine, an amino acid with similar properties. This amino acid position is conserved. In addition, the in silico prediction for this alteration is inconclusive. Based on the available evidence, the clinical significance of this variant remains unclear.

Labcorp Genetics (formerly Invitae), Labcorp
Classification: Uncertain significance for Brugada syndrome 8. Last evaluated: 2024-01-22. Review status: criteria provided, single submitter. Criteria: Invitae Variant Classification Sherloc (09022015). Collection method: clinical testing. Allele origin: germline.
Comment: This sequence change replaces proline, which is neutral and non-polar, with serine, which is neutral and polar, at codon 145 of the HCN4 protein (p.Pro145Ser). This variant is not present in population databases (gnomAD no frequency). This variant has not been reported in the literature in individuals affected with HCN4-related conditions. ClinVar contains an entry for this variant (Variation ID: 1017756). Advanced modeling of protein sequence and biophysical properties (such as structural, functional, and spatial information, amino acid conservation, physicochemical variation, residue mobility, and thermodynamic stability) performed at Invitae indicates that this missense variant is not expected to disrupt HCN4 protein function with a negative predictive value of 95%. In summary, the available evidence is currently insufficient to determine the role of this variant in disease. Therefore, it has been classified as a Variant of Uncertain Significance.

NM_005477.3(HCN4):c.433C>T (p.Pro145Ser)

Gene: HCN4 (hyperpolarization activated cyclic nucleotide gated potassium channel 4; minus strand). Cytogenetic location: 15q24.1.
Variant type: single nucleotide variant.
Coding change: c.433C>T on transcript NM_005477.3 (MANE Select); coding-DNA position 433, C replaced by T.
Protein change: p.Pro145Ser; replaces proline 145 with serine.
Molecular consequence: missense variant.
Genome position (GRCh38, 1-based): chr15:73,367,838, G>A on the plus strand (C>T on the coding strand, the complement: HCN4 is on the minus strand). VCF-style: chr15-73367838-G-A. GRCh37 (hg19) VCF-style: chr15-73660179-G-A.
Other names: c.433C>T (NM_005477.2); short protein forms P145S.
Identifiers: ClinVar variation 1017756 (VCV001017756.8), dbSNP rs886043525, ClinGen allele CA393098033.